The following is an entry in ClinVar:

ClinVar aggregate classification (germline): Pathogenic (0 of 4 stars; one submission).

Conditions:
Allan-Herndon-Dudley syndrome (AHDS). Also called: T3 RESISTANCE; TRIIODOTHYRONINE RESISTANCE; Passos-Bueno syndrome; ALLAN-HERNDON SYNDROME; MENTAL RETARDATION AND MUSCULAR ATROPHY. Identifiers: Orphanet 59, MedGen C0795889, MONDO:0010354, OMIM 300523.

Submission:

Clinical Genetics Service, Universitary Hospital 12 de Octubre
Classification: Pathogenic for Allan-Herndon-Dudley syndrome. Last evaluated: 2021-04-05. Review status: no assertion criteria provided. Collection method: clinical testing. Allele origin: de novo. Inheritance: X-linked recessive inheritance. Affected: yes. Observed: 1 variant allele, 1 heterozygote.
Comment: De novo deletion encompassing exon 1 of SLC16A2 and JPX gene. Preferential X-chromosome inactivation demonstrated.

GRCh37/hg19 Xq13.2(chrX:73160043-73703398)

Genes: JPX (JPX transcript, XIST activator; plus strand), FTX (FTX transcript, XIST regulator; minus strand), SLC16A2 (solute carrier family 16 member 2; plus strand), ZCCHC13 (zinc finger CCHC-type containing 13; plus strand). Cytogenetic location: Xq13.2.
Variant type: copy number loss.
Identifiers: ClinVar variation 1064730 (VCV001064730.3).